The following is an entry in ClinVar:

ClinVar aggregate classification (germline): Conflicting classifications of pathogenicity. Review status: criteria provided, conflicting classifications (1 of 4 stars). 2 submissions from 2 submitters: Likely pathogenic (1); Uncertain significance (1). Last evaluated 2023-01-20.

Conditions:
Hypertrophic cardiomyopathy. Also called: HYPERTROPHIC MYOCARDIOPATHY. Identifiers: Orphanet 217569, MedGen C0007194, MeSH D002312, MONDO:0005045, HP:0001639.

Submissions (2):

GeneDx
Classification: Likely pathogenic. Last evaluated: 2023-01-20. Review status: criteria provided, single submitter. Criteria: GeneDx Variant Classification Process June 2021. Collection method: clinical testing. Allele origin: germline. Affected: yes.
Comment: Observed in a patient in published literature with restrictive cardiomyopathy who also had a variant in the MYBPC3 gene (Kostareva et al., 2016); Not observed at significant frequency in large population cohorts (gnomAD); In silico analysis supports that this missense variant does not alter protein structure/function; This variant is associated with the following publications: (PMID: 27662471, 27532257, 29300372, 35456187, 28831623)

Labcorp Genetics (formerly Invitae), Labcorp
Classification: Uncertain significance for Hypertrophic cardiomyopathy. Last evaluated: 2022-12-09. Review status: criteria provided, single submitter. Criteria: Invitae Variant Classification Sherloc (09022015). Collection method: clinical testing. Allele origin: germline.
Comment: ClinVar contains an entry for this variant (Variation ID: 181193). In summary, the available evidence is currently insufficient to determine the role of this variant in disease. Therefore, it has been classified as a Variant of Uncertain Significance. Advanced modeling of protein sequence and biophysical properties (such as structural, functional, and spatial information, amino acid conservation, physicochemical variation, residue mobility, and thermodynamic stability) performed at Invitae indicates that this missense variant is expected to disrupt MYH7 protein function. This missense change has been observed in individual(s) with restrictive cardiomyopathy (PMID: 27662471). This variant is not present in population databases (gnomAD no frequency). This sequence change replaces leucine, which is neutral and non-polar, with methionine, which is neutral and non-polar, at codon 840 of the MYH7 protein (p.Leu840Met).

Literature cited by the submitters: PubMed 27662471 (cited by Labcorp Genetics (formerly Invitae), Labcorp).

NM_000257.4(MYH7):c.2518C>A (p.Leu840Met)

Genes: MYH7 (myosin heavy chain 7; minus strand), LOC126861898 (BRD4-independent group 4 enhancer GRCh37_chr14:23893609-23894808; plus strand). Cytogenetic location: 14q11.2.
Variant type: single nucleotide variant.
Coding change: c.2518C>A on transcript NM_000257.4 (MANE Select); coding-DNA position 2518, C replaced by A.
Protein change: p.Leu840Met; replaces leucine 840 with methionine.
Molecular consequence: missense variant.
Genome position (GRCh38, 1-based): chr14:23,424,930, G>T on the plus strand (C>A on the coding strand, the complement: MYH7 is on the minus strand). VCF-style: chr14-23424930-G-T. GRCh37 (hg19) VCF-style: chr14-23894139-G-T.
Other names: p.L840M:CTG>ATG; c.2518C>A (LRG_384t1); short protein forms L840M.
Identifiers: ClinVar variation 181193 (VCV000181193.9), dbSNP rs730880747, ClinGen allele CA012529.